The following is an entry in ClinVar:

NM_015559.3(SETBP1):c.1889C>T (p.Ala630Val)

Gene: SETBP1 (SET binding protein 1; plus strand). Cytogenetic location: 18q12.3.
Variant type: single nucleotide variant.
Coding change: c.1889C>T on transcript NM_015559.3 (MANE Select); coding-DNA position 1889, C replaced by T.
Protein change: p.Ala630Val; replaces alanine 630 with valine.
Molecular consequence: missense variant.
Genome position (GRCh38, 1-based): chr18:44,951,229, C>T. VCF-style: chr18-44951229-C-T. GRCh37 (hg19) VCF-style: chr18-42531194-C-T.
Other names: c.1889C>T, p.Ala630Val (NM_001379141.1, NM_001379142.1); short protein forms A630V.
Identifiers: ClinVar variation 1534917 (VCV001534917.31), dbSNP rs540801169, ClinGen allele CA8945686.

ClinVar aggregate classification (germline): Benign. Review status: criteria provided, multiple submitters, no conflicts (2 of 4 stars). 2 submissions from 2 submitters: Benign (2). Last evaluated 2026-02-01.

Allele frequency attached by ClinVar (database versions not stated): 1000 Genomes Project 0.00020; 1000 Genomes Project 30x 0.00031.
gnomAD v4.1: 126 of 1,614,032 alleles (0.0078%); highest among the groups gnomAD compares: Non-Finnish European, 0.0099%; no homozygotes.

Submissions (2):

CeGaT Center for Human Genetics Tuebingen
Classification: Benign. Last evaluated: 2026-02-01. Review status: criteria provided, single submitter. Criteria: CeGaT Center For Human Genetics Tuebingen Variant Classification Criteria Version 2. Collection method: clinical testing. Allele origin: germline. Affected: yes. Observed: 2 variant alleles.
Comment: SETBP1: BP4, BS1, BS2

Labcorp Genetics (formerly Invitae), Labcorp
Classification: Benign. Last evaluated: 2025-09-24. Review status: criteria provided, single submitter. Criteria: Invitae Variant Classification Sherloc (09022015). Collection method: clinical testing. Allele origin: germline.